The following is an entry in ClinVar:

NM_004329.3(BMPR1A):c.1152T>C (p.Ala384=)

Gene: BMPR1A (bone morphogenetic protein receptor type 1A; plus strand). Cytogenetic location: 10q23.2.
Variant type: single nucleotide variant.
Coding change: c.1152T>C on transcript NM_004329.3 (MANE Select); coding-DNA position 1152, T replaced by C.
Protein change: p.Ala384=; no amino-acid change (alanine 384 retained).
Molecular consequence: synonymous variant.
Genome position (GRCh38, 1-based): chr10:86,919,455, T>C. VCF-style: chr10-86919455-T-C. GRCh37 (hg19) VCF-style: chr10-88679212-T-C.
Identifiers: ClinVar variation 380117 (VCV000380117.21), dbSNP rs1057520795, ClinGen allele CA16605713.

ClinVar aggregate classification (germline): Benign/Likely benign. Review status: criteria provided, multiple submitters, no conflicts (2 of 4 stars). 6 submissions from 6 submitters: Benign (1); Likely benign (5). Last evaluated 2025-10-13.

Conditions:
Juvenile polyposis syndrome (JPS). Identifiers: Orphanet 2929, MedGen C0345893, MONDO:0017380, OMIM 174900.
Hereditary cancer-predisposing syndrome. Also called: Hereditary neoplastic syndrome; Tumor predisposition; Neoplastic Syndromes, Hereditary; Hereditary Cancer Syndrome. Identifiers: Orphanet 140162, MedGen C0027672, MeSH D009386, MONDO:0015356.

Allele frequency attached by ClinVar (database versions not stated): TOPMed below 0.00001; gnomAD 0.00001; gnomAD exomes 0.00001.
gnomAD v4.1: 15 of 1,613,454 alleles (0.00093%); highest among the groups gnomAD compares: Non-Finnish European, 0.0013%; no homozygotes.

Submissions (6):

Labcorp Genetics (formerly Invitae), Labcorp
Classification: Likely benign for Juvenile polyposis syndrome. Last evaluated: 2025-10-13. Review status: criteria provided, single submitter. Criteria: Invitae Variant Classification Sherloc (09022015). Collection method: clinical testing. Allele origin: germline.

Women's Health and Genetics/Laboratory Corporation of America, LabCorp
Classification: Likely benign. Last evaluated: 2025-04-21. Review status: criteria provided, single submitter. Criteria: LabCorp Variant Classification Summary - May 2015. Collection method: clinical testing. Allele origin: germline.

Myriad Genetics, Inc.
Classification: Benign for Juvenile polyposis syndrome. Last evaluated: 2024-08-06. Review status: criteria provided, single submitter. Criteria: Myriad Autosomal Dominant, Autosomal Recessive and X-Linked Classification Criteria (2023). Collection method: clinical testing. Allele origin: unknown.
Comment: This variant is considered benign. This variant is a silent/synonymous amino acid change and it is not expected to impact splicing.

Ambry Genetics
Classification: Likely benign for Hereditary cancer-predisposing syndrome. Last evaluated: 2018-11-12. Review status: criteria provided, single submitter. Criteria: Ambry Variant Classification Scheme 2023. Collection method: clinical testing. Allele origin: germline.

Color Diagnostics, LLC DBA Color Health
Classification: Likely benign for Hereditary cancer-predisposing syndrome. Last evaluated: 2016-11-10. Review status: criteria provided, single submitter. Criteria: ACMG Guidelines, 2015. Collection method: clinical testing. Allele origin: germline.

GeneDx
Classification: Likely benign. Last evaluated: 2016-09-19. Review status: criteria provided, single submitter. Criteria: GeneDx Variant Classification (06012015). Collection method: clinical testing. Allele origin: germline. Affected: yes.
Comment: This variant is considered likely benign or benign based on one or more of the following criteria: it is a conservative change, it occurs at a poorly conserved position in the protein, it is predicted to be benign by multiple in silico algorithms, and/or has population frequency not consistent with disease.